The following is an entry in ClinVar:

ClinVar aggregate classification (germline): Uncertain significance (1 of 4 stars; one submission).

Conditions:
Congenital contractural arachnodactyly (CCA). Also called: BEALS SYNDROME; Arthrogryposis, distal, type 9; Beals-Hecht syndrome. Identifiers: Orphanet 115, MedGen C0220668, MONDO:0007363, OMIM 121050.

Submission:

Labcorp Genetics (formerly Invitae), Labcorp
Classification: Uncertain significance for Congenital contractural arachnodactyly. Last evaluated: 2022-02-24. Review status: criteria provided, single submitter. Criteria: Invitae Variant Classification Sherloc (09022015). Collection method: clinical testing. Allele origin: germline.
Comment: Advanced modeling of protein sequence and biophysical properties (such as structural, functional, and spatial information, amino acid conservation, physicochemical variation, residue mobility, and thermodynamic stability) performed at Invitae indicates that this missense variant is not expected to disrupt FBN2 protein function. In summary, the available evidence is currently insufficient to determine the role of this variant in disease. Therefore, it has been classified as a Variant of Uncertain Significance. Algorithms developed to predict the effect of sequence changes on RNA splicing suggest that this variant may create or strengthen a splice site. ClinVar contains an entry for this variant (Variation ID: 643194). This variant has not been reported in the literature in individuals affected with FBN2-related conditions. This variant is not present in population databases (gnomAD no frequency). This sequence change replaces threonine, which is neutral and polar, with alanine, which is neutral and non-polar, at codon 1505 of the FBN2 protein (p.Thr1505Ala).

NM_001999.4(FBN2):c.4513A>G (p.Thr1505Ala)

Gene: FBN2 (fibrillin 2; minus strand). Cytogenetic location: 5q23.3.
Variant type: single nucleotide variant.
Coding change: c.4513A>G on transcript NM_001999.4 (MANE Select); coding-DNA position 4513, A replaced by G.
Protein change: p.Thr1505Ala; replaces threonine 1505 with alanine.
Molecular consequence: missense variant.
Genome position (GRCh38, 1-based): chr5:128,318,960, T>C on the plus strand (A>G on the coding strand, the complement: FBN2 is on the minus strand). VCF-style: chr5-128318960-T-C. GRCh37 (hg19) VCF-style: chr5-127654652-T-C.
Other names: short protein forms T1505A.
Identifiers: ClinVar variation 643194 (VCV000643194.9), dbSNP rs1581212696, ClinGen allele CA360750614.